The following is an entry in ClinVar:

NM_199242.3(UNC13D):c.3254C>A (p.Ala1085Asp)

Gene: UNC13D (unc-13 homolog D; minus strand). Cytogenetic location: 17q25.1.
Variant type: single nucleotide variant.
Coding change: c.3254C>A on transcript NM_199242.3 (MANE Select); coding-DNA position 3254, C replaced by A.
Protein change: p.Ala1085Asp; replaces alanine 1085 with aspartic acid.
Molecular consequence: missense variant.
Genome position (GRCh38, 1-based): chr17:75,827,984, G>T on the plus strand (C>A on the coding strand, the complement: UNC13D is on the minus strand). VCF-style: chr17-75827984-G-T. GRCh37 (hg19) VCF-style: chr17-73824065-G-T.
Other names: short protein forms A1085D.
Identifiers: ClinVar variation 2172127 (VCV002172127.1), dbSNP rs778060284, ClinGen allele CA8772207.

ClinVar aggregate classification (germline): Uncertain significance (1 of 4 stars; one submission).

Conditions:
Familial hemophagocytic lymphohistiocytosis 3 (FHL3). Also called: UNC13D-Related Familial Hemophagocytic Lymphohistiocytosis (UNC13D-fHLH). Identifiers: Orphanet 540, MedGen C1837174, MONDO:0012146, OMIM 608898.

gnomAD v4.1: 12 of 1,605,026 alleles (0.00075%); highest among the groups gnomAD compares: Admixed American, 0.0034%; no homozygotes.

Submission:

Labcorp Genetics (formerly Invitae), Labcorp
Classification: Uncertain significance for Familial hemophagocytic lymphohistiocytosis 3. Last evaluated: 2022-03-24. Review status: criteria provided, single submitter. Criteria: Invitae Variant Classification Sherloc (09022015). Collection method: clinical testing. Allele origin: germline.
Comment: This sequence change replaces alanine, which is neutral and non-polar, with aspartic acid, which is acidic and polar, at codon 1085 of the UNC13D protein (p.Ala1085Asp). The frequency data for this variant in the population databases is considered unreliable, as metrics indicate poor data quality at this position in the gnomAD database. This variant has not been reported in the literature in individuals affected with UNC13D-related conditions. Algorithms developed to predict the effect of missense changes on protein structure and function are either unavailable or do not agree on the potential impact of this missense change (SIFT: "Not Available"; PolyPhen-2: "Benign"; Align-GVGD: "Not Available"). In summary, the available evidence is currently insufficient to determine the role of this variant in disease. Therefore, it has been classified as a Variant of Uncertain Significance.